The following is an entry in ClinVar:

ClinVar aggregate classification (germline): Uncertain significance (1 of 4 stars; one submission).

Conditions:
Loeys-Dietz syndrome 2 (LDS2). Also called: TGFBR2-Related Loeys-Dietz Syndrome; AORTIC ANEURYSM, FAMILIAL THORACIC 3; MARFAN SYNDROME, TYPE II; Marfan syndrome, type 2 (formerly); Marfan Syndrome type 2; Marfan like connective tissue disorder. Identifiers: Orphanet 284973, Orphanet 558, MedGen C2674574, MONDO:0012427, OMIM 610168.

Submission:

All of Us Research Program, National Institutes of Health
Classification: Uncertain significance for Loeys-Dietz syndrome 2. Last evaluated: 2024-03-05. Review status: criteria provided, single submitter. Criteria: ACMG Guidelines, 2015. Collection method: clinical testing. Allele origin: germline. Inheritance: Autosomal dominant inheritance. Observed: 1 variant allele, 1 heterozygote.
Comment: This study involves interpretation of variants in research participants for the purpose of population health screening. Participant phenotype was not available at the time of variant classification. Additional details can be found in publication PMID: 35346344, PMCID: PMC8962531

NM_003242.6(TGFBR2):c.1313A>C (p.Asn438Thr)

Gene: TGFBR2 (transforming growth factor beta receptor 2; plus strand). Cytogenetic location: 3p24.1.
Variant type: single nucleotide variant.
Coding change: c.1313A>C on transcript NM_003242.6 (MANE Select); coding-DNA position 1313, A replaced by C.
Protein change: p.Asn438Thr; replaces asparagine 438 with threonine.
Molecular consequence: missense variant. On other transcripts: intron variant (1).
Genome position (GRCh38, 1-based): chr3:30,674,163, A>C. VCF-style: chr3-30674163-A-C. GRCh37 (hg19) VCF-style: chr3-30715655-A-C.
Other names: c.1388A>C, p.Asn463Thr (NM_001024847.3); c.1496A>C, p.Asn499Thr (NM_001407126.1); c.1421A>C, p.Asn474Thr (NM_001407127.1); c.1340A>C, p.Asn447Thr (NM_001407128.1); c.1316A>C, p.Asn439Thr (NM_001407129.1); c.1313A>C, p.Asn438Thr (NM_001407130.1); c.1208A>C, p.Asn403Thr (NM_001407132.1, NM_001407133.1, NM_001407134.1 and 2 more transcripts); c.1028A>C, p.Asn343Thr (NM_001407137.1); and 2 more; short protein forms N318T, N343T, N403T, N438T, N439T, N447T, N463T, N474T.
Identifiers: ClinVar variation 3386071 (VCV003386071.1).